The following is an entry in ClinVar:

NM_015570.4(AUTS2):c.568G>A (p.Ala190Thr)

Gene: AUTS2 (activator of transcription and developmental regulator AUTS2; plus strand). Cytogenetic location: 7q11.22.
Variant type: single nucleotide variant.
Coding change: c.568G>A on transcript NM_015570.4 (MANE Select); coding-DNA position 568, G replaced by A.
Protein change: p.Ala190Thr; replaces alanine 190 with threonine.
Molecular consequence: missense variant.
Genome position (GRCh38, 1-based): chr7:70,118,177, G>A. VCF-style: chr7-70118177-G-A. GRCh37 (hg19) VCF-style: chr7-69583163-G-A.
Other names: c.568G>A, p.Ala190Thr (NM_001127231.3, NM_001127232.3); short protein forms A190T.
Identifiers: ClinVar variation 432832 (VCV000432832.10), dbSNP rs747579459, ClinGen allele CA4280346.
Genomic context (GRCh38, chr7:70,118,177, plus strand): 5'-TTCTTTTGCCTTTAGCTCAAGCCAGGACAGAACAGCTGCAGGGACAGTGACAGTGAAAGT[G>A]CCAGTGGAGAATCCAAGGGCTTCCACCGGAGCAGCTCTCGGGAAAGGCTCAGTGATGTAA-3'
Protein context (NP_056385.1, residues 180-200): NSCRDSDSES[Ala190Thr]SGESKGFHRS

ClinVar aggregate classification (germline): Uncertain significance. Review status: criteria provided, multiple submitters, no conflicts (2 of 4 stars). 2 submissions from 2 submitters: Uncertain significance (2). Last evaluated 2024-06-10.

Allele frequency attached by ClinVar (database versions not stated): gnomAD exomes below 0.00001; ExAC 0.00001; TOPMed 0.00001; gnomAD 0.00002.
gnomAD v4.1: 3 of 1,611,106 alleles (0.00019%); highest among the groups gnomAD compares: African/African-American, 0.004%; no homozygotes.

Submissions (2):

Labcorp Genetics (formerly Invitae), Labcorp
Classification: Uncertain significance. Last evaluated: 2024-06-10. Review status: criteria provided, single submitter. Criteria: Invitae Variant Classification Sherloc (09022015). Collection method: clinical testing. Allele origin: germline.
Comment: This sequence change replaces alanine, which is neutral and non-polar, with threonine, which is neutral and polar, at codon 190 of the AUTS2 protein (p.Ala190Thr). This variant is present in population databases (rs747579459, gnomAD 0.007%). This missense change has been observed in individual(s) with clinical features of AUTS2-related conditions (PMID: 33057194, 35982159). ClinVar contains an entry for this variant (Variation ID: 432832). An algorithm developed to predict the effect of missense changes on protein structure and function (PolyPhen-2) suggests that this variant is likely to be tolerated. In summary, the available evidence is currently insufficient to determine the role of this variant in disease. Therefore, it has been classified as a Variant of Uncertain Significance.

GeneDx
Classification: Uncertain significance. Last evaluated: 2021-09-03. Review status: criteria provided, single submitter. Criteria: GeneDx Variant Classification Process June 2021. Collection method: clinical testing. Allele origin: germline. Affected: yes.
Comment: In silico analysis supports that this missense variant does not alter protein structure/function; Has not been previously published as pathogenic or benign to our knowledge; This variant is associated with the following publications: (PMID: 27535533)

Literature cited by the submitters: PubMed 33057194 (cited by Labcorp Genetics (formerly Invitae), Labcorp); PubMed 35982159 (cited by Labcorp Genetics (formerly Invitae), Labcorp).